The following is an entry in ClinVar:

ClinVar aggregate classification (germline): Benign. Review status: criteria provided, multiple submitters, no conflicts (2 of 4 stars). 6 submissions from 6 submitters: Benign (5). 1 of the submissions does not count toward it. Last evaluated 2026-02-02.

Conditions:
Methylmalonic aciduria, cblA type (MACA). Also called: Methylmalonic aciduria, vitamin b12-responsive, due to defect in synthesis of adenosylcobalamin, cbla complementation type; MMA cbl A type; Methylmalonic acidemia cblA type; Methylmalonic aciduria, vitamin B12-responsive; Vitamin B12-responsive methylmalonic acidemia type cblA. Identifiers: Orphanet 28, Orphanet 79310, MedGen C1855109, MONDO:0009613, OMIM 251100.

Allele frequency attached by ClinVar (database versions not stated): gnomAD exomes 0.00152 and 0.00318; ExAC 0.00374; ESP Exome Variant Server 0.01000; 1000 Genomes Project 0.01358; TOPMed 0.01252; gnomAD 0.01136 and 0.01204; 1000 Genomes Project 30x 0.01468.
gnomAD v4.1: 4,046 of 1,614,202 alleles (0.25%); highest among the groups gnomAD compares: African/African-American, 4.1%; 71 homozygotes.

Submissions (6):

Labcorp Genetics (formerly Invitae), Labcorp
Classification: Benign for Methylmalonic aciduria, cblA type. Last evaluated: 2026-02-02. Review status: criteria provided, single submitter. Criteria: Invitae Variant Classification Sherloc (09022015). Collection method: clinical testing. Allele origin: germline.

Illumina Laboratory Services, Illumina
Classification: Benign for Methylmalonic aciduria, cblA type. Last evaluated: 2018-01-13. Review status: criteria provided, single submitter. Criteria: ICSL Variant Classification Criteria 13 December 2019. Collection method: clinical testing. Allele origin: germline.
Comment: This variant was observed in the ICSL laboratory as part of a predisposition screen in an ostensibly healthy population. It had not been previously curated by ICSL or reported in the Human Gene Mutation Database (HGMD: prior to June 1st, 2018), and was therefore a candidate for classification through an automated scoring system. Utilizing variant allele frequency, disease prevalence and penetrance estimates, and inheritance mode, an automated score was calculated to assess if this variant is too frequent to cause the disease. Based on the score and internal cut-off values, a variant classified as benign is not then subjected to further curation. The score for this variant resulted in a classification of benign for this disease.

GeneDx
Classification: Benign. Last evaluated: 2016-03-30. Review status: criteria provided, single submitter. Criteria: GeneDx Variant Classification (06012015). Collection method: clinical testing. Allele origin: germline. Affected: yes.
Comment: This variant is considered likely benign or benign based on one or more of the following criteria: it is a conservative change, it occurs at a poorly conserved position in the protein, it is predicted to be benign by multiple in silico algorithms, and/or has population frequency not consistent with disease.

Breakthrough Genomics
Classification: Benign. Review status: criteria provided, single submitter. Criteria: ACMG Guidelines, 2015. Collection method: not provided. Allele origin: germline. Inheritance: Autosomal recessive inheritance. Affected: yes.

PreventionGenetics, part of Exact Sciences
Classification: Benign. Review status: criteria provided, single submitter. Criteria: ACMG Guidelines, 2015. Collection method: clinical testing. Allele origin: germline.

Natera, Inc.
Classification: Benign for Methylmalonic aciduria cblA type. Last evaluated: 2020-09-16. Review status: no assertion criteria provided. Collection method: clinical testing. Allele origin: germline. Not counted in ClinVar's aggregate classification.

NM_172250.3(MMAA):c.138T>C (p.Ser46=)

Gene: MMAA (metabolism of cobalamin associated A; plus strand). Cytogenetic location: 4q31.21.
Variant type: single nucleotide variant.
Coding change: c.138T>C on transcript NM_172250.3 (MANE Select); coding-DNA position 138, T replaced by C.
Protein change: p.Ser46=; no amino-acid change (serine 46 retained).
Molecular consequence: synonymous variant.
Genome position (GRCh38, 1-based): chr4:145,639,277, T>C. VCF-style: chr4-145639277-T-C. GRCh37 (hg19) VCF-style: chr4-146560429-T-C.
Identifiers: ClinVar variation 262806 (VCV000262806.18), dbSNP rs34702224, ClinGen allele CA3095130.